The following is an entry in ClinVar:

ClinVar aggregate classification (germline): Uncertain significance (1 of 4 stars; one submission).

Conditions:
Neuropathy, hereditary sensory and autonomic, type 1C. Also called: HSAN IC; HSN IC. Identifiers: Orphanet 36386, MedGen C3150896, MONDO:0013337, OMIM 613640.

Allele frequency attached by ClinVar (database versions not stated): ExAC 0.00001; gnomAD exomes 0.00001.

Submission:

Labcorp Genetics (formerly Invitae), Labcorp
Classification: Uncertain significance for Neuropathy, hereditary sensory and autonomic, type 1C. Last evaluated: 2022-11-03. Review status: criteria provided, single submitter. Criteria: Invitae Variant Classification Sherloc (09022015). Collection method: clinical testing. Allele origin: germline.
Comment: This variant has not been reported in the literature in individuals affected with SPTLC2-related conditions. This variant is present in population databases (rs758687170, gnomAD 0.006%). This sequence change replaces methionine, which is neutral and non-polar, with valine, which is neutral and non-polar, at codon 244 of the SPTLC2 protein (p.Met244Val). Advanced modeling of protein sequence and biophysical properties (such as structural, functional, and spatial information, amino acid conservation, physicochemical variation, residue mobility, and thermodynamic stability) performed at Invitae indicates that this missense variant is not expected to disrupt SPTLC2 protein function. In summary, the available evidence is currently insufficient to determine the role of this variant in disease. Therefore, it has been classified as a Variant of Uncertain Significance.

NM_004863.4(SPTLC2):c.730A>G (p.Met244Val)

Gene: SPTLC2 (serine palmitoyltransferase long chain base subunit 2; minus strand). Cytogenetic location: 14q24.3.
Variant type: single nucleotide variant.
Coding change: c.730A>G on transcript NM_004863.4 (MANE Select); coding-DNA position 730, A replaced by G.
Protein change: p.Met244Val; replaces methionine 244 with valine.
Molecular consequence: missense variant.
Genome position (GRCh38, 1-based): chr14:77,570,410, T>C on the plus strand (A>G on the coding strand, the complement: SPTLC2 is on the minus strand). VCF-style: chr14-77570410-T-C. GRCh37 (hg19) VCF-style: chr14-78036753-T-C.
Other names: short protein forms M244V.
Identifiers: ClinVar variation 2904956 (VCV002904956.3), dbSNP rs758687170, ClinGen allele CA7289390.